The following is an entry in ClinVar:

NM_031483.7(ITCH):c.35G>A (p.Gly12Asp)

Gene: ITCH (itchy E3 ubiquitin protein ligase; plus strand). Cytogenetic location: 20q11.22.
Variant type: single nucleotide variant.
Coding change: c.35G>A on transcript NM_031483.7 (MANE Select); coding-DNA position 35, G replaced by A.
Protein change: p.Gly12Asp; replaces glycine 12 with aspartic acid.
Molecular consequence: missense variant. On other transcripts: 5 prime UTR variant (1).
Genome position (GRCh38, 1-based): chr20:34,393,846, G>A. VCF-style: chr20-34393846-G-A. GRCh37 (hg19) VCF-style: chr20-32981652-G-A.
Other names: c.35G>A, p.Gly12Asp (NM_001257137.3, NM_001324197.2, NM_001324198.2); c.-154G>A (NM_001257138.3); short protein forms G12D.
Identifiers: ClinVar variation 1017553 (VCV001017553.6), dbSNP rs755675723, ClinGen allele CA9821212.

ClinVar aggregate classification (germline): Uncertain significance (1 of 4 stars; one submission).

Conditions:
Syndromic multisystem autoimmune disease due to ITCH deficiency. Also called: AUTOIMMUNE DISEASE, MULTISYSTEM, WITH FACIAL DYSMORPHISM. Identifiers: Orphanet 228426, MedGen C3150649, MONDO:0013245, OMIM 613385.

Allele frequency attached by ClinVar (database versions not stated): TOPMed below 0.00001; ExAC 0.00003; gnomAD exomes 0.00003 and 0.00007; gnomAD 0.00007 and 0.00008.

Submission:

Labcorp Genetics (formerly Invitae), Labcorp
Classification: Uncertain significance for Syndromic multisystem autoimmune disease due to ITCH deficiency. Last evaluated: 2022-06-11. Review status: criteria provided, single submitter. Criteria: Invitae Variant Classification Sherloc (09022015). Collection method: clinical testing. Allele origin: germline.
Comment: This sequence change replaces glycine, which is neutral and non-polar, with aspartic acid, which is acidic and polar, at codon 12 of the ITCH protein (p.Gly12Asp). This variant is present in population databases (rs755675723, gnomAD 0.06%). This variant has not been reported in the literature in individuals affected with ITCH-related conditions. ClinVar contains an entry for this variant (Variation ID: 1017553). Algorithms developed to predict the effect of missense changes on protein structure and function are either unavailable or do not agree on the potential impact of this missense change (SIFT: "Not Available"; PolyPhen-2: "Benign"; Align-GVGD: "Not Available"). In summary, the available evidence is currently insufficient to determine the role of this variant in disease. Therefore, it has been classified as a Variant of Uncertain Significance.